The following is an entry in ClinVar:

NM_000053.4(ATP7B):c.839del (p.Gly280fs)

Gene: ATP7B (ATPase copper transporting beta; minus strand). Cytogenetic location: 13q14.3.
Variant type: Deletion.
Coding change: c.839del on transcript NM_000053.4 (MANE Select); coding-DNA position 839, one base deleted (G; older notation c.839delG).
Protein change: p.Gly280fs; shifts the reading frame from glycine 280.
Molecular consequence: frameshift variant. On other transcripts: intron variant (2).
Genome position (GRCh38, 1-based): chr13:51,974,381, C deleted on the plus strand (G on the coding strand, the reverse complement: ATP7B is on the minus strand); the first of 2 consecutive C bases (chr13:51,974,381-51,974,382); deleting either gives the same sequence. VCF-style (leftmost placement, unchanged base first): chr13-51974380-GC-G. GRCh37 (hg19) VCF-style: chr13-52548516-GC-G.
Other names: c.839del, p.Gly280fs (NM_001406516.1, NM_001406519.1, NM_001406520.1 and 29 more transcripts); c.743del, p.Gly248fs (NM_001406517.1, NM_001406518.1, NM_001406530.1 and 3 more transcripts); c.802+37del (NM_001243182.2); c.706+37del (NM_001406539.1); short protein forms G248fs, G280fs.
Identifiers: ClinVar variation 2679826 (VCV002679826.2), dbSNP rs2547818100, ClinGen allele CA2695199748.

ClinVar aggregate classification (germline): Pathogenic/Likely pathogenic. Review status: criteria provided, multiple submitters, no conflicts (2 of 4 stars). 2 submissions from 2 submitters: Pathogenic (1); Likely pathogenic (1). Last evaluated 2025-11-03.

Conditions:
Wilson disease (WND). Also called: Wilson's disease. Identifiers: Orphanet 905, MedGen C0019202, MONDO:0010200, OMIM 277900. Disease mechanism: loss of function.

Submissions (2):

Labcorp Genetics (formerly Invitae), Labcorp
Classification: Pathogenic for Wilson disease. Last evaluated: 2025-11-03. Review status: criteria provided, single submitter. Criteria: Invitae Variant Classification Sherloc (09022015). Collection method: clinical testing. Allele origin: germline.
Comment: This sequence change creates a premature translational stop signal (p.Gly280Alafs*4) in the ATP7B gene. It is expected to result in an absent or disrupted protein product. Loss-of-function variants in ATP7B are known to be pathogenic (PMID: 10441329, 16283883). This variant is not present in population databases (gnomAD no frequency). This variant has not been reported in the literature in individuals affected with ATP7B-related conditions. ClinVar contains an entry for this variant (Variation ID: 2679826). For these reasons, this variant has been classified as Pathogenic.

Baylor Genetics
Classification: Likely pathogenic for Wilson disease. Last evaluated: 2022-10-19. Review status: criteria provided, single submitter. Criteria: ACMG Guidelines, 2015. Collection method: clinical testing. Allele origin: unknown.

Literature cited by the submitters: PubMed 10441329 (cited by Labcorp Genetics (formerly Invitae), Labcorp); PubMed 16283883 (cited by Labcorp Genetics (formerly Invitae), Labcorp).